The following is an entry in ClinVar:

NM_032578.4(MYPN):c.2878T>A (p.Ser960Thr)

Gene: MYPN (myopalladin; plus strand). Cytogenetic location: 10q21.3.
Variant type: single nucleotide variant.
Coding change: c.2878T>A on transcript NM_032578.4 (MANE Select); coding-DNA position 2878, T replaced by A.
Protein change: p.Ser960Thr; replaces serine 960 with threonine.
Molecular consequence: missense variant. On other transcripts: non-coding transcript variant (2).
Genome position (GRCh38, 1-based): chr10:68,189,079, T>A. VCF-style: chr10-68189079-T-A. GRCh37 (hg19) VCF-style: chr10-69948836-T-A.
Other names: c.2878T>A, p.Ser960Thr (NM_001256267.2); c.1996T>A, p.Ser666Thr (NM_001256268.2); short protein forms S666T, S960T.
Identifiers: ClinVar variation 3228166 (VCV003228166.1), dbSNP rs2495898058, ClinGen allele CA376853904.
Genomic context (GRCh38, chr10:68,189,079, plus strand): 5'-GGCAAGTGTATTGCTCCCATCTTTGACAAGAGACTCAAGCACTTCCGGGTCACAGAAGGC[T>A]CTCCAGTTACATTCACCTGCAAAATTGTTGGGATACCTGTTCCAAAGGTAGGGAAGATGA-3'
Protein context (NP_115967.2, residues 950-970): RLKHFRVTEG[Ser960Thr]PVTFTCKIVG

ClinVar aggregate classification (germline): Uncertain significance (1 of 4 stars; one submission).

Conditions:
Cardiovascular phenotype. Identifiers: MedGen CN230736.

Submission:

Ambry Genetics
Classification: Uncertain significance for Cardiovascular phenotype. Last evaluated: 2023-12-08. Review status: criteria provided, single submitter. Criteria: Ambry Variant Classification Scheme 2023. Collection method: clinical testing. Allele origin: germline.
Comment: The p.S960T variant (also known as c.2878T>A), located in coding exon 12 of the MYPN gene, results from a T to A substitution at nucleotide position 2878. The serine at codon 960 is replaced by threonine, an amino acid with similar properties. This amino acid position is conserved. In addition, this alteration is predicted to be tolerated by in silico analysis. Since supporting evidence is limited at this time, the clinical significance of this alteration remains unclear.